The following is an entry in ClinVar:

NM_182961.4(SYNE1):c.21989G>T (p.Ser7330Ile)

Gene: SYNE1 (spectrin repeat containing nuclear envelope protein 1; minus strand). Cytogenetic location: 6q25.2.
Variant type: single nucleotide variant.
Coding change: c.21989G>T on transcript NM_182961.4 (MANE Select); coding-DNA position 21989, G replaced by T.
Protein change: p.Ser7330Ile; replaces serine 7330 with isoleucine.
Molecular consequence: missense variant.
Genome position (GRCh38, 1-based): chr6:152,219,058, C>A on the plus strand (G>T on the coding strand, the complement: SYNE1 is on the minus strand). VCF-style: chr6-152219058-C-A. GRCh37 (hg19) VCF-style: chr6-152540193-C-A.
Other names: c.21776G>T, p.Ser7259Ile (NM_033071.5); short protein forms S7259I, S7330I.
Identifiers: ClinVar variation 651315 (VCV000651315.7), dbSNP rs1588081530, ClinGen allele CA366103221.
Genomic context (GRCh38, chr6:152,219,058, plus strand): 5'-TGTACCTGTAATGAAGTCTGCTGTTTGCAGAGAGCTTGCTCCAGGGCACACAAGTGTTGA[C>A]TCAAAGAGAGTTGATCCGATTGAATAGCTGATGCTGCGGAAGCATCCACTTGTTGCTTCA-3'
Protein context (NP_892006.3, residues 7320-7340): SAIQSDQLSL[Ser7330Ile]QHLCALEQAL

ClinVar aggregate classification (germline): Uncertain significance. Review status: criteria provided, multiple submitters, no conflicts (2 of 4 stars). 2 submissions from 2 submitters: Uncertain significance (2). Last evaluated 2025-06-06.

Conditions:
Autosomal recessive ataxia, Beauce type. Also called: SYNE1 Deficiency; SYNE1-Related Autosomal Recessive Cerebellar Ataxia; ATAXIA, RECESSIVE, OF BEAUCE; Spinocerebellar ataxia, autosomal recessive 8. Identifiers: Orphanet 88644, MedGen C1853116, MONDO:0012549, OMIM 610743.
Emery-Dreifuss muscular dystrophy 4, autosomal dominant (EDMD4). Also called: EMERY-DREIFUSS MUSCULAR DYSTROPHY 4 WITH VARIABLE FEATURES. Identifiers: Orphanet 261, MedGen C2751807, MONDO:0013071, OMIM 612998.
SYNE1-related disorder. Also called: SYNE1-related disease; SYNE1-related condition; SYNE1-related disorders.

Allele frequency attached by ClinVar (database versions not stated): TOPMed below 0.00001; gnomAD 0.00001.
gnomAD v4.1: 5 of 1,614,168 alleles (0.00031%); highest among the groups gnomAD compares: Middle Eastern, 0.017%; no homozygotes.

Submissions (2):

PreventionGenetics, part of Exact Sciences
Classification: Uncertain significance for SYNE1-related condition. Last evaluated: 2025-06-06. Review status: criteria provided, single submitter. Criteria: ACMG Guidelines, 2015. Collection method: clinical testing. Allele origin: germline.
Comment: The SYNE1 c.21776G>T variant is predicted to result in the amino acid substitution p.Ser7259Ile. To our knowledge, this variant has not been reported in the literature or in a large population database (gnomAD), indicating this variant is rare. At this time, the clinical significance of this variant is uncertain due to the absence of conclusive functional and genetic evidence.

Labcorp Genetics (formerly Invitae), Labcorp
Classification: Uncertain significance for Emery-Dreifuss muscular dystrophy 4, autosomal dominant; Autosomal recessive ataxia, Beauce type. Last evaluated: 2021-09-01. Review status: criteria provided, single submitter. Criteria: Invitae Variant Classification Sherloc (09022015). Collection method: clinical testing. Allele origin: germline.
Comment: This sequence change replaces serine with isoleucine at codon 7259 of the SYNE1 protein (p.Ser7259Ile). The serine residue is highly conserved and there is a large physicochemical difference between serine and isoleucine. This variant is not present in population databases (ExAC no frequency). This variant has not been reported in the literature in individuals affected with SYNE1-related conditions. Algorithms developed to predict the effect of missense changes on protein structure and function are either unavailable or do not agree on the potential impact of this missense change (SIFT: "Deleterious"; PolyPhen-2: "Benign"; Align-GVGD: "Class C0"). In summary, the available evidence is currently insufficient to determine the role of this variant in disease. Therefore, it has been classified as a Variant of Uncertain Significance.